The following is an entry in ClinVar:

NM_001793.6(CDH3):c.862C>T (p.Arg288Trp)

Gene: CDH3 (cadherin 3; plus strand). Cytogenetic location: 16q22.1.
Variant type: single nucleotide variant.
Coding change: c.862C>T on transcript NM_001793.6 (MANE Select); coding-DNA position 862, C replaced by T.
Protein change: p.Arg288Trp; replaces arginine 288 with tryptophan.
Molecular consequence: missense variant.
Genome position (GRCh38, 1-based): chr16:68,679,969, C>T. VCF-style: chr16-68679969-C-T. GRCh37 (hg19) VCF-style: chr16-68713872-C-T.
Other names: c.862C>T, p.Arg288Trp (NM_001317195.3); c.697C>T, p.Arg233Trp (NM_001317196.2); short protein forms R233W, R288W.
Identifiers: ClinVar variation 1064109 (VCV001064109.6), dbSNP rs1025096353, ClinGen allele CA283273322.

ClinVar aggregate classification (germline): Uncertain significance. Review status: criteria provided, multiple submitters, no conflicts (2 of 4 stars). 2 submissions from 2 submitters: Uncertain significance (2). Last evaluated 2026-01-05.

Allele frequency attached by ClinVar (database versions not stated): gnomAD 0.00001.
gnomAD v4.1: 17 of 1,613,904 alleles (0.0011%); highest among the groups gnomAD compares: Non-Finnish European, 0.0012%; no homozygotes.

Submissions (2):

Labcorp Genetics (formerly Invitae), Labcorp
Classification: Uncertain significance. Last evaluated: 2026-01-05. Review status: criteria provided, single submitter. Criteria: Invitae Variant Classification Sherloc (09022015). Collection method: clinical testing. Allele origin: germline.
Comment: This sequence change replaces arginine, which is basic and polar, with tryptophan, which is neutral and slightly polar, at codon 288 of the CDH3 protein (p.Arg288Trp). This variant is not present in population databases (gnomAD no frequency). This variant has not been reported in the literature in individuals affected with CDH3-related conditions. ClinVar contains an entry for this variant (Variation ID: 1064109). Invitae Evidence Modeling of protein sequence and biophysical properties (such as structural, functional, and spatial information, amino acid conservation, physicochemical variation, residue mobility, and thermodynamic stability) indicates that this missense variant is expected to disrupt CDH3 protein function with a positive predictive value of 80%. In summary, the available evidence is currently insufficient to determine the role of this variant in disease. Therefore, it has been classified as a Variant of Uncertain Significance.

Blueprint Genetics
Classification: Uncertain significance. Last evaluated: 2024-09-17. Review status: criteria provided, single submitter. Criteria: ACMG Guidelines, 2015. Collection method: clinical testing. Allele origin: germline.